The following is an entry in ClinVar:

ClinVar aggregate classification (germline): Benign. Review status: criteria provided, multiple submitters, no conflicts (2 of 4 stars). 3 submissions from 2 submitters: Benign (3). Last evaluated 2017-04-28.

Conditions:
Long QT syndrome 5 (LQT5). Identifiers: Orphanet 101016, Orphanet 768, MedGen C1867904, MONDO:0013372, OMIM 613695.
Jervell and Lange-Nielsen syndrome 2 (JLNS2). Identifiers: Orphanet 768, Orphanet 90647, MedGen C2676723, MONDO:0012871, OMIM 612347.

Allele frequency attached by ClinVar (database versions not stated): gnomAD 0.00019 and 0.00022; TOPMed 0.00021; 1000 Genomes Project 0.00080; 1000 Genomes Project 30x 0.00125.
gnomAD v4.1: 92 of 985,584 alleles (0.0093%); highest among the groups gnomAD compares: East Asian, 0.52%; no homozygotes.

Submissions (3):

Illumina Laboratory Services, Illumina
Classification: Benign for Jervell and Lange-Nielsen syndrome 2. Last evaluated: 2017-04-28. Review status: criteria provided, single submitter. Criteria: ICSL Variant Classification Criteria 13 December 2019. Collection method: clinical testing. Allele origin: germline.
Comment: This variant was observed as part of a predisposition screen in an ostensibly healthy population. A literature search was performed for the gene, cDNA change, and amino acid change (where applicable). No publications were found based on this search. Allele frequency data from public databases was too high to be consistent with this variant causing disease. Therefore, this variant is classified as benign.

Illumina Laboratory Services, Illumina
Classification: Benign for Long QT syndrome 5. Last evaluated: 2017-04-28. Review status: criteria provided, single submitter. Criteria: ICSL Variant Classification Criteria 13 December 2019. Collection method: clinical testing. Allele origin: germline.
Comment: the same text as in the submission from Illumina Laboratory Services, Illumina above.

GeneDx
Classification: Benign. Last evaluated: 2015-03-03. Review status: criteria provided, single submitter. Criteria: GeneDx Variant Classification Process June 2021. Collection method: clinical testing. Allele origin: germline. Affected: yes.

NM_000219.6(KCNE1):c.-198C>T

Gene: KCNE1 (potassium voltage-gated channel subfamily E regulatory subunit 1; minus strand). Cytogenetic location: 21q22.12.
Variant type: single nucleotide variant.
Coding change: c.-198C>T on transcript NM_000219.6 (MANE Select); 198 bases upstream of the start codon, C replaced by T.
Molecular consequence: 5 prime UTR variant.
Genome position (GRCh38, 1-based): chr21:34,511,137, G>A on the plus strand (C>T on the coding strand, the complement: KCNE1 is on the minus strand). VCF-style: chr21-34511137-G-A. GRCh37 (hg19) VCF-style: chr21-35883435-G-A.
Other names: c.-198C>T (NM_001270402.3); c.-170C>T (NM_001270403.2); c.-87C>T (NM_001270404.3).
Identifiers: ClinVar variation 898606 (VCV000898606.7), dbSNP rs376688699, ClinGen allele CA320437651.